The following is an entry in ClinVar:

NM_000133.4(F9):c.782G>A (p.Trp261Ter)

Gene: F9 (coagulation factor IX; plus strand). Cytogenetic location: Xq27.1.
Variant type: single nucleotide variant.
Coding change: c.782G>A on transcript NM_000133.4 (MANE Select); coding-DNA position 782, G replaced by A.
Protein change: p.Trp261Ter; replaces tryptophan 261 with a stop codon.
Molecular consequence: nonsense.
Genome position (GRCh38, 1-based): chrX:139,560,799, G>A. VCF-style: chrX-139560799-G-A. GRCh37 (hg19) VCF-style: chrX-138642958-G-A.
Other names: c.668G>A, p.Trp223Ter (NM_001313913.2); short protein forms W223*, W261*.
Identifiers: ClinVar variation 1076389 (VCV001076389.9), dbSNP rs2148367245, ClinGen allele CA414443380.

ClinVar aggregate classification (germline): Pathogenic (1 of 4 stars; one submission).

Conditions:
Hereditary factor IX deficiency disease (HEMB). Also called: Hemophilia B; F9 DEFICIENCY; FACTOR IX DEFICIENCY; PLASMA THROMBOPLASTIN COMPONENT DEFICIENCY; Christmas Disease. Identifiers: Orphanet 98879, MedGen C0008533, MeSH D002836, MONDO:0010604, OMIM 306900.
Thrombophilia, X-linked, due to factor 9 defect. Identifiers: MedGen C2749016, MONDO:0010432, OMIM 300807.

Submission:

Labcorp Genetics (formerly Invitae), Labcorp
Classification: Pathogenic for Thrombophilia, X-linked, due to factor 9 defect; Hereditary factor IX deficiency disease. Last evaluated: 2020-03-19. Review status: criteria provided, single submitter. Criteria: Invitae Variant Classification Sherloc (09022015). Collection method: clinical testing. Allele origin: germline.
Comment: Algorithms developed to predict the effect of sequence changes on RNA splicing suggest that this variant may create or strengthen a splice site, but this prediction has not been confirmed by published transcriptional studies. For these reasons, this variant has been classified as Pathogenic. Loss-of-function variants in F9 are known to be pathogenic (PMID: 20301668). This variant has been observed in individual(s) with hemophilia B (PMID: 2066105). This variant is also known as p.Trp215* in the literature. This variant is not present in population databases (ExAC no frequency). This sequence change creates a premature translational stop signal (p.Trp261*) in the F9 gene. It is expected to result in an absent or disrupted protein product.

Literature cited by the submitters: PubMed 20301668; PubMed 2066105.